The following is an entry in ClinVar:

ClinVar aggregate classification (germline): Uncertain significance (1 of 4 stars; one submission).

Conditions:
Leber congenital amaurosis 8 (LCA8). Identifiers: Orphanet 65, MedGen C3151202, MONDO:0013453, OMIM 613835.
Retinitis pigmentosa 12 (RP12). Also called: RP WITH OR WITHOUT PPRPE; RP WITH OR WITHOUT PRESERVED PARAARTERIOLE RETINAL PIGMENT EPITHELIUM; RETINITIS PIGMENTOSA WITH OR WITHOUT PARAARTERIOLAR PRESERVATION OF RETINAL PIGMENT EPITHELIUM. Identifiers: Orphanet 791, MedGen C1838647, MONDO:0010818, OMIM 600105.

gnomAD v4.1: 5 of 1,614,024 alleles (0.00031%); highest among the groups gnomAD compares: Non-Finnish European, 0.00042%; no homozygotes.

Submission:

Labcorp Genetics (formerly Invitae), Labcorp
Classification: Uncertain significance for Leber congenital amaurosis 8; Retinitis pigmentosa 12. Last evaluated: 2025-07-02. Review status: criteria provided, single submitter. Criteria: Invitae Variant Classification Sherloc (09022015). Collection method: clinical testing. Allele origin: germline.
Comment: This sequence change replaces leucine, which is neutral and non-polar, with proline, which is neutral and non-polar, at codon 878 of the CRB1 protein (p.Leu878Pro). This variant is not present in population databases (gnomAD no frequency). This missense change has been observed in individual(s) with inherited retinal dystrophy (PMID: 32037395). Invitae Evidence Modeling of protein sequence and biophysical properties (such as structural, functional, and spatial information, amino acid conservation, physicochemical variation, residue mobility, and thermodynamic stability) indicates that this missense variant is expected to disrupt CRB1 protein function with a positive predictive value of 95%. In summary, the available evidence is currently insufficient to determine the role of this variant in disease. Therefore, it has been classified as a Variant of Uncertain Significance.

Literature cited by the submitters: PubMed 32037395.

NM_201253.3(CRB1):c.2633T>C (p.Leu878Pro)

Gene: CRB1 (crumbs cell polarity complex component 1; plus strand). Cytogenetic location: 1q31.3.
Variant type: single nucleotide variant.
Coding change: c.2633T>C on transcript NM_201253.3 (MANE Select); coding-DNA position 2633, T replaced by C.
Protein change: p.Leu878Pro; replaces leucine 878 with proline.
Molecular consequence: missense variant. On other transcripts: non-coding transcript variant (2), intron variant (1).
Genome position (GRCh38, 1-based): chr1:197,427,958, T>C. VCF-style: chr1-197427958-T-C. GRCh37 (hg19) VCF-style: chr1-197397088-T-C.
Other names: c.2297T>C, p.Leu766Pro (NM_001193640.2); c.2426T>C, p.Leu809Pro (NM_001257965.2); c.2128+6002T>C (NM_001257966.2); short protein forms L766P, L878P, L809P.
Identifiers: ClinVar variation 4794981 (VCV004794981.1).